The following is an entry in ClinVar:

ClinVar aggregate classification (germline): Uncertain significance (1 of 4 stars; one submission).

gnomAD v4.1: 21 of 1,602,244 alleles (0.0013%); highest among the groups gnomAD compares: South Asian, 0.016%; no homozygotes.

Submission:

Mayo Clinic Laboratories, Mayo Clinic
Classification: Uncertain significance. Last evaluated: 2024-11-06. Review status: criteria provided, single submitter. Criteria: ACMG Guidelines, 2015. Collection method: clinical testing. Allele origin: germline. Observed: 1 variant allele.
Comment: PM2_supporting

NM_000142.5(FGFR3):c.2411C>T (p.Ser804Leu)

Gene: FGFR3 (fibroblast growth factor receptor 3; plus strand). Cytogenetic location: 4p16.3.
Variant type: single nucleotide variant.
Coding change: c.2411C>T on transcript NM_000142.5 (MANE Select); coding-DNA position 2411, C replaced by T.
Protein change: p.Ser804Leu; replaces serine 804 with leucine.
Molecular consequence: missense variant. On other transcripts: synonymous variant (1), non-coding transcript variant (1).
Genome position (GRCh38, 1-based): chr4:1,807,252, C>T. VCF-style: chr4-1807252-C-T. GRCh37 (hg19) VCF-style: chr4-1808979-C-T.
Other names: p.Ser804Leu; c.2417C>T, p.Ser806Leu (NM_001163213.2); c.2414C>T, p.Ser805Leu (NM_001354809.2); c.2343C>T, p.Leu781= (NM_001354810.2); c.2075C>T, p.Ser692Leu (NM_022965.4); short protein forms S806L, S692L, S804L, S805L.
Identifiers: ClinVar variation 4540969 (VCV004540969.1).